The following is an entry in ClinVar:

ClinVar aggregate classification (germline): Likely benign. Review status: criteria provided, multiple submitters, no conflicts (2 of 4 stars). 2 submissions from 2 submitters: Likely benign (2). Last evaluated 2025-12-15.

Conditions:
Muscular dystrophy-dystroglycanopathy (congenital with brain and eye anomalies), type A, 7. Also called: Congenital muscular dystrophy-dystroglycanopathy with brain and eye anomalies, type A7; WALKER-WARBURG SYNDROME OR MUSCLE-EYE-BRAIN DISEASE, ISPD-RELATED. Identifiers: Orphanet 899, MedGen C3553330, MONDO:0013835, OMIM 614643.
Autosomal recessive limb-girdle muscular dystrophy type 2U. Also called: Muscular dystrophy-dystroglycanopathy (limb-girdle), type c, 7; MUSCULAR DYSTROPHY, LIMB-GIRDLE, TYPE 2U. Identifiers: Orphanet 352479, MedGen C5190987, MONDO:0014474, OMIM 616052.

Allele frequency attached by ClinVar (database versions not stated): gnomAD exomes 0.00007; ExAC 0.00012; 1000 Genomes Project 30x 0.00016; ESP Exome Variant Server 0.00017; gnomAD 0.00019 and 0.00022; 1000 Genomes Project 0.00020; TOPMed 0.00028.
gnomAD v4.1: 67 of 1,557,234 alleles (0.0043%); highest among the groups gnomAD compares: African/African-American, 0.072%; no homozygotes.

Submissions (2):

Labcorp Genetics (formerly Invitae), Labcorp
Classification: Likely benign for Muscular dystrophy-dystroglycanopathy (congenital with brain and eye anomalies), type A, 7; Autosomal recessive limb-girdle muscular dystrophy type 2U. Last evaluated: 2025-12-15. Review status: criteria provided, single submitter. Criteria: Invitae Variant Classification Sherloc (09022015). Collection method: clinical testing. Allele origin: germline.

GeneDx
Classification: Likely benign. Last evaluated: 2017-06-13. Review status: criteria provided, single submitter. Criteria: GeneDx Variant Classification (06012015). Collection method: clinical testing. Allele origin: germline. Affected: yes.
Comment: This variant is considered likely benign or benign based on one or more of the following criteria: it is a conservative change, it occurs at a poorly conserved position in the protein, it is predicted to be benign by multiple in silico algorithms, and/or has population frequency not consistent with disease.

NM_001101426.4(CRPPA):c.684+12G>C

Gene: CRPPA (CDP-L-ribitol pyrophosphorylase A; minus strand). Cytogenetic location: 7p21.2.
Variant type: single nucleotide variant.
Coding change: c.684+12G>C on transcript NM_001101426.4 (MANE Select); 12 bases into the intron after coding-DNA position 684, G replaced by C.
Molecular consequence: intron variant.
Genome position (GRCh38, 1-based): chr7:16,376,080, C>G on the plus strand (G>C on the coding strand, the complement: CRPPA is on the minus strand). VCF-style: chr7-16376080-C-G. GRCh37 (hg19) VCF-style: chr7-16415705-C-G.
Other names: c.534+29981G>C (NM_001101417.4); c.684+12G>C (NM_001368197.1).
Identifiers: ClinVar variation 517963 (VCV000517963.11), dbSNP rs376232862, ClinGen allele CA4169545.